The following is an entry in ClinVar:

NM_001330311.2(DVL1):c.1856G>A (p.Arg619His)

Gene: DVL1 (dishevelled segment polarity protein 1; minus strand). Cytogenetic location: 1p36.33.
Variant type: single nucleotide variant.
Coding change: c.1856G>A on transcript NM_001330311.2 (MANE Select); coding-DNA position 1856, G replaced by A.
Protein change: p.Arg619His; replaces arginine 619 with histidine.
Molecular consequence: missense variant.
Genome position (GRCh38, 1-based): chr1:1,336,374, C>T on the plus strand (G>A on the coding strand, the complement: DVL1 is on the minus strand). VCF-style: chr1-1336374-C-T. GRCh37 (hg19) VCF-style: chr1-1271754-C-T.
Other names: c.1781G>A, p.Arg594His (NM_004421.3); short protein forms R594H, R619H.
Identifiers: ClinVar variation 734384 (VCV000734384.12), dbSNP rs570904822, ClinGen allele CA519802.

ClinVar aggregate classification (germline): Likely benign. Review status: criteria provided, multiple submitters, no conflicts (2 of 4 stars). 4 submissions from 4 submitters: Likely benign (4). Last evaluated 2025-08-18.

Conditions:
DVL1-related disorder. Also called: DVL1-related condition.

Allele frequency attached by ClinVar (database versions not stated): gnomAD 0.00009 and 0.00015; TOPMed 0.00016; ExAC 0.00025; gnomAD exomes 0.00028; 1000 Genomes Project 30x 0.00031; 1000 Genomes Project 0.00080.
gnomAD v4.1: 301 of 1,597,938 alleles (0.019%); highest among the groups gnomAD compares: East Asian, 0.57%; no homozygotes.

Submissions (4):

Genomic Medicine Center of Excellence, King Faisal Specialist Hospital and Research Centre
Classification: Likely benign. Last evaluated: 2025-08-18. Review status: criteria provided, single submitter. Criteria: ACMG Guidelines, 2015. Collection method: clinical testing. Allele origin: germline.

Labcorp Genetics (formerly Invitae), Labcorp
Classification: Likely benign. Last evaluated: 2025-06-29. Review status: criteria provided, single submitter. Criteria: Invitae Variant Classification Sherloc (09022015). Collection method: clinical testing. Allele origin: germline.

PreventionGenetics, part of Exact Sciences
Classification: Likely benign for DVL1-related condition. Last evaluated: 2024-12-10. Review status: criteria provided, single submitter. Criteria: ACMG Guidelines, 2015. Collection method: clinical testing. Allele origin: germline.
Comment: This variant is classified as likely benign based on ACMG/AMP sequence variant interpretation guidelines (Richards et al. 2015 PMID: 25741868, with internal and published modifications).

Blueprint Genetics
Classification: Likely benign. Last evaluated: 2024-05-23. Review status: criteria provided, single submitter. Criteria: ACMG Guidelines, 2015. Collection method: clinical testing. Allele origin: germline.